The following is an entry in ClinVar:

ClinVar aggregate classification (germline): Uncertain significance (1 of 4 stars; one submission).

Allele frequency attached by ClinVar (database versions not stated): ExAC 0.00002; gnomAD exomes 0.00002; gnomAD 0.00005; TOPMed 0.00007; ESP Exome Variant Server 0.00008; 1000 Genomes Project 30x 0.00016; 1000 Genomes Project 0.00020.
gnomAD v4.1: 40 of 1,595,648 alleles (0.0025%); highest among the groups gnomAD compares: African/African-American, 0.019%; no homozygotes.

Submission:

Labcorp Genetics (formerly Invitae), Labcorp
Classification: Uncertain significance. Last evaluated: 2022-11-03. Review status: criteria provided, single submitter. Criteria: Invitae Variant Classification Sherloc (09022015). Collection method: clinical testing. Allele origin: germline.
Comment: Advanced modeling of protein sequence and biophysical properties (such as structural, functional, and spatial information, amino acid conservation, physicochemical variation, residue mobility, and thermodynamic stability) performed at Invitae indicates that this missense variant is expected to disrupt PNLIP protein function. This sequence change replaces arginine, which is basic and polar, with cysteine, which is neutral and slightly polar, at codon 188 of the PNLIP protein (p.Arg188Cys). The frequency data for this variant in the population databases is considered unreliable, as metrics indicate poor data quality at this position in the gnomAD database. This variant has not been reported in the literature in individuals affected with PNLIP-related conditions. In summary, the available evidence is currently insufficient to determine the role of this variant in disease. Therefore, it has been classified as a Variant of Uncertain Significance.

NM_000936.4(PNLIP):c.562C>T (p.Arg188Cys)

Gene: PNLIP (pancreatic lipase; plus strand). Cytogenetic location: 10q25.3.
Variant type: single nucleotide variant.
Coding change: c.562C>T on transcript NM_000936.4 (MANE Select); coding-DNA position 562, C replaced by T.
Protein change: p.Arg188Cys; replaces arginine 188 with cysteine.
Molecular consequence: missense variant.
Genome position (GRCh38, 1-based): chr10:116,553,829, C>T. VCF-style: chr10-116553829-C-T. GRCh37 (hg19) VCF-style: chr10-118313341-C-T.
Other names: short protein forms R188C.
Identifiers: ClinVar variation 2887298 (VCV002887298.2), dbSNP rs199957067, ClinGen allele CA5706518.